The following is an entry in ClinVar:

NM_006506.5(RASA2):c.1273A>C (p.Ile425Leu)

Gene: RASA2 (RAS p21 protein activator 2; plus strand). Cytogenetic location: 3q23.
Variant type: single nucleotide variant.
Coding change: c.1273A>C on transcript NM_006506.5 (MANE Select); coding-DNA position 1273, A replaced by C.
Protein change: p.Ile425Leu; replaces isoleucine 425 with leucine.
Molecular consequence: missense variant.
Genome position (GRCh38, 1-based): chr3:141,572,712, A>C. VCF-style: chr3-141572712-A-C. GRCh37 (hg19) VCF-style: chr3-141291554-A-C.
Other names: c.1273A>C, p.Ile425Leu (NM_001303245.3, NM_001303246.3); short protein forms I425L.
Identifiers: ClinVar variation 3676817 (VCV003676817.2).

ClinVar aggregate classification (germline): Uncertain significance (1 of 4 stars; one submission).

gnomAD v4.1: 3 of 1,600,490 alleles (0.00019%); highest among the groups gnomAD compares: Admixed American, 0.005%; no homozygotes.

Submission:

Labcorp Genetics (formerly Invitae), Labcorp
Classification: Uncertain significance. Last evaluated: 2024-07-31. Review status: criteria provided, single submitter. Criteria: Invitae Variant Classification Sherloc (09022015). Collection method: clinical testing. Allele origin: germline.
Comment: This sequence change replaces isoleucine, which is neutral and non-polar, with leucine, which is neutral and non-polar, at codon 425 of the RASA2 protein (p.Ile425Leu). This variant is present in population databases (no rsID available, gnomAD 0.009%). This variant has not been reported in the literature in individuals affected with RASA2-related conditions. Advanced modeling of protein sequence and biophysical properties (such as structural, functional, and spatial information, amino acid conservation, physicochemical variation, residue mobility, and thermodynamic stability) performed at Invitae indicates that this missense variant is not expected to disrupt RASA2 protein function with a negative predictive value of 80%. In summary, the available evidence is currently insufficient to determine the role of this variant in disease. Therefore, it has been classified as a Variant of Uncertain Significance.